The following is an entry in ClinVar:

NM_021813.4(BACH2):c.891G>C (p.Glu297Asp)

Gene: BACH2 (BACH transcriptional regulator 2; minus strand). Cytogenetic location: 6q15.
Variant type: single nucleotide variant.
Coding change: c.891G>C on transcript NM_021813.4 (MANE Select); coding-DNA position 891, G replaced by C.
Protein change: p.Glu297Asp; replaces glutamic acid 297 with aspartic acid.
Molecular consequence: missense variant.
Genome position (GRCh38, 1-based): chr6:89,951,215, C>G on the plus strand (G>C on the coding strand, the complement: BACH2 is on the minus strand). VCF-style: chr6-89951215-C-G. GRCh37 (hg19) VCF-style: chr6-90660934-C-G.
Other names: c.891G>C, p.Glu297Asp (NM_001170794.2); short protein forms E297D.
Identifiers: ClinVar variation 1460836 (VCV001460836.9), dbSNP rs761784939, ClinGen allele CA3928090.
Genomic context (GRCh38, chr6:89,951,215, plus strand): 5'-GGCAGGGCTGGGCTGTTTCCGGTCCATCTCGACATCCCCCGCTCTGTCCTTGGCGTCAGG[C>G]TCATCTCCAGACAGGCAGAGCGTGATGCTCTCTTCCTCATTCTCTTCACTGGGCGGCTCA-3'
Protein context (NP_068585.1, residues 287-307): ESITLCLSGD[Glu297Asp]PDAKDRAGDV

ClinVar aggregate classification (germline): Uncertain significance. Review status: criteria provided, multiple submitters, no conflicts (2 of 4 stars). 2 submissions from 2 submitters: Uncertain significance (2). Last evaluated 2025-11-17.

Allele frequency attached by ClinVar (database versions not stated): gnomAD 0.00001 and 0.00002; TOPMed 0.00001; ExAC 0.00002; gnomAD exomes 0.00002.

Submissions (2):

Labcorp Genetics (formerly Invitae), Labcorp
Classification: Uncertain significance. Last evaluated: 2025-11-17. Review status: criteria provided, single submitter. Criteria: Invitae Variant Classification Sherloc (09022015). Collection method: clinical testing. Allele origin: germline.
Comment: This sequence change replaces glutamic acid, which is acidic and polar, with aspartic acid, which is acidic and polar, at codon 297 of the BACH2 protein (p.Glu297Asp). This variant is present in population databases (rs761784939, gnomAD 0.02%). This variant has not been reported in the literature in individuals affected with BACH2-related conditions. ClinVar contains an entry for this variant (Variation ID: 1460836). Invitae Evidence Modeling of protein sequence and biophysical properties (such as structural, functional, and spatial information, amino acid conservation, physicochemical variation, residue mobility, and thermodynamic stability) indicates that this missense variant is not expected to disrupt BACH2 protein function with a negative predictive value of 80%. In summary, the available evidence is currently insufficient to determine the role of this variant in disease. Therefore, it has been classified as a Variant of Uncertain Significance.

Blueprint Genetics
Classification: Uncertain significance. Last evaluated: 2023-06-26. Review status: criteria provided, single submitter. Criteria: ACMG Guidelines, 2015. Collection method: clinical testing. Allele origin: germline.